The following is an entry in ClinVar:

NM_000388.4(CASR):c.350A>C (p.Gln117Pro)

Gene: CASR (calcium sensing receptor; plus strand). Cytogenetic location: 3q21.1.
Variant type: single nucleotide variant.
Coding change: c.350A>C on transcript NM_000388.4 (MANE Select); coding-DNA position 350, A replaced by C.
Protein change: p.Gln117Pro; replaces glutamine 117 with proline.
Molecular consequence: missense variant.
Genome position (GRCh38, 1-based): chr3:122,257,245, A>C. VCF-style: chr3-122257245-A-C. GRCh37 (hg19) VCF-style: chr3-121976092-A-C.
Other names: c.350A>C, p.Gln117Pro (NM_001178065.2); short protein forms Q117P.
Identifiers: ClinVar variation 1009965 (VCV001009965.10), dbSNP rs2074564685, ClinGen allele CA354362704.

ClinVar aggregate classification (germline): Uncertain significance (1 of 4 stars; one submission).

Conditions:
Autosomal dominant hypocalcemia 1 (HYPOC1). Also called: HYPOCALCEMIA, FAMILIAL. Identifiers: MedGen C3715128, MONDO:0011013, OMIM 601198.
Familial hypocalciuric hypercalcemia (FHH). Also called: Familial benign hypercalcemia. Identifiers: Orphanet 405, MedGen C1809471, MONDO:0018458.

Submission:

Labcorp Genetics (formerly Invitae), Labcorp
Classification: Uncertain significance for Familial hypocalciuric hypercalcemia; Autosomal dominant hypocalcemia 1. Last evaluated: 2026-01-11. Review status: criteria provided, single submitter. Criteria: Invitae Variant Classification Sherloc (09022015). Collection method: clinical testing. Allele origin: germline.
Comment: This sequence change replaces glutamine, which is neutral and polar, with proline, which is neutral and non-polar, at codon 117 of the CASR protein (p.Gln117Pro). This variant is not present in population databases (gnomAD no frequency). This variant has not been reported in the literature in individuals affected with CASR-related conditions. ClinVar contains an entry for this variant (Variation ID: 1009965). An algorithm developed to predict the effect of missense changes on protein structure and function (PolyPhen-2) suggests that this variant is likely to be disruptive. In summary, the available evidence is currently insufficient to determine the role of this variant in disease. Therefore, it has been classified as a Variant of Uncertain Significance.